The following is an entry in ClinVar:

ClinVar aggregate classification (germline): Pathogenic. Review status: criteria provided, multiple submitters, no conflicts (2 of 4 stars). 2 submissions from 2 submitters: Pathogenic (2). Last evaluated 2024-09-16.

Conditions:
Osteogenesis imperfecta type I (OI1). Also called: Classic Non-deforming Osteogenesis Imperfecta with Blue Sclerae; OI, TYPE I; OSTEOGENESIS IMPERFECTA TARDA; OSTEOGENESIS IMPERFECTA WITH BLUE SCLERAE; Osteogenesis imperfecta type 1; Lobstein's Disease. Identifiers: Orphanet 216796, Orphanet 666, MedGen C0023931, MONDO:0008146, OMIM 166200. Disease mechanism: loss of function.
COL1A1-related disorder. Also called: COL1A1- related disease; COL1A1-related condition.

Submissions (2):

Greenwood Genetic Center Diagnostic Laboratories, Greenwood Genetic Center
Classification: Pathogenic for COL1A1-related disorder. Last evaluated: 2024-09-16. Review status: criteria provided, single submitter. Criteria: ACMG Guidelines, 2015. Collection method: clinical testing. Allele origin: germline. Affected: yes.
Comment: PVS1, PS4_Moderate, PM2

Labcorp Genetics (formerly Invitae), Labcorp
Classification: Pathogenic for Osteogenesis imperfecta type I. Last evaluated: 2019-08-14. Review status: criteria provided, single submitter. Criteria: Invitae Variant Classification Sherloc (09022015). Collection method: clinical testing. Allele origin: germline.
Comment: For these reasons, this variant has been classified as Pathogenic. Loss-of-function variants in COL1A1 are known to be pathogenic (PMID: 7942841, 9295084, 9443882). This variant has been observed in individuals affected with osteogenesis imperfecta (PMID: 25146735, 27509835). This variant is not present in population databases (ExAC no frequency). This sequence change creates a premature translational stop signal (p.Trp1275*) in the COL1A1 gene. It is expected to result in an absent or disrupted protein product.

Literature cited by the submitters: PubMed 7942841 (cited by Labcorp Genetics (formerly Invitae), Labcorp); PubMed 9295084 (cited by Labcorp Genetics (formerly Invitae), Labcorp); PubMed 9443882 (cited by Labcorp Genetics (formerly Invitae), Labcorp); PubMed 25146735 (cited by Labcorp Genetics (formerly Invitae), Labcorp); PubMed 27509835 (cited by Labcorp Genetics (formerly Invitae), Labcorp).

NM_000088.4(COL1A1):c.3824G>A (p.Trp1275Ter)

Gene: COL1A1 (collagen type I alpha 1 chain; minus strand). Cytogenetic location: 17q21.33.
Variant type: single nucleotide variant.
Coding change: c.3824G>A on transcript NM_000088.4 (MANE Select); coding-DNA position 3824, G replaced by A.
Protein change: p.Trp1275Ter; replaces tryptophan 1275 with a stop codon.
Molecular consequence: nonsense.
Genome position (GRCh38, 1-based): chr17:50,186,498, C>T on the plus strand (G>A on the coding strand, the complement: COL1A1 is on the minus strand). VCF-style: chr17-50186498-C-T. GRCh37 (hg19) VCF-style: chr17-48263859-C-T.
Other names: short protein forms W1275*.
Identifiers: ClinVar variation 963580 (VCV000963580.11), dbSNP rs1906536457, ClinGen allele CA400193990.